The following is an entry in ClinVar:

NM_000448.3(RAG1):c.1127T>C (p.Ile376Thr)

Gene: RAG1 (recombination activating 1; plus strand). Cytogenetic location: 11p12.
Variant type: single nucleotide variant.
Coding change: c.1127T>C on transcript NM_000448.3 (MANE Select); coding-DNA position 1127, T replaced by C.
Protein change: p.Ile376Thr; replaces isoleucine 376 with threonine.
Molecular consequence: missense variant.
Genome position (GRCh38, 1-based): chr11:36,574,431, T>C. VCF-style: chr11-36574431-T-C. GRCh37 (hg19) VCF-style: chr11-36595981-T-C.
Other names: c.1127T>C, p.Ile376Thr (NM_001377277.1, NM_001377278.1, NM_001377279.1 and 1 more transcripts); short protein forms I376T.
Identifiers: ClinVar variation 1989831 (VCV001989831.4), dbSNP rs2494754653, ClinGen allele CA380151415.

ClinVar aggregate classification (germline): Uncertain significance (1 of 4 stars; one submission).

Conditions:
Severe combined immunodeficiency, autosomal recessive, T cell-negative, B cell-negative, NK cell-positive. Also called: SCID, AR, T-cell negative, B-cell negative, NK cell-positive; SCID, T CELL-NEGATIVE, B CELL-NEGATIVE, NK CELL-POSITIVE; Severe combined immunodeficiency due to complete RAG1/2 deficiency. Identifiers: Orphanet 331206, MedGen C1832322, MONDO:0011086, OMIM 601457.
Combined immunodeficiency with skin granulomas. Identifiers: Orphanet 157949, MedGen C2673536, MONDO:0009306, OMIM 233650.

Allele frequency attached by ClinVar (database versions not stated): gnomAD exomes below 0.00001.
gnomAD v4.1: 1 of 1,614,038 alleles (0.000062%); highest among the groups gnomAD compares: South Asian, 0.0011%; no homozygotes.

Submission:

Labcorp Genetics (formerly Invitae), Labcorp
Classification: Uncertain significance for Combined immunodeficiency with skin granulomas; Severe combined immunodeficiency, autosomal recessive, T cell-negative, B cell-negative, NK cell-positive. Last evaluated: 2022-05-20. Review status: criteria provided, single submitter. Criteria: Invitae Variant Classification Sherloc (09022015). Collection method: clinical testing. Allele origin: germline.
Comment: In summary, the available evidence is currently insufficient to determine the role of this variant in disease. Therefore, it has been classified as a Variant of Uncertain Significance. Advanced modeling of protein sequence and biophysical properties (such as structural, functional, and spatial information, amino acid conservation, physicochemical variation, residue mobility, and thermodynamic stability) performed at Invitae indicates that this missense variant is not expected to disrupt RAG1 protein function. This variant has not been reported in the literature in individuals affected with RAG1-related conditions. This variant is not present in population databases (gnomAD no frequency). This sequence change replaces isoleucine, which is neutral and non-polar, with threonine, which is neutral and polar, at codon 376 of the RAG1 protein (p.Ile376Thr).